The following is an entry in ClinVar:

NM_003742.4(ABCB11):c.3213+5G>A

Gene: ABCB11 (ATP binding cassette subfamily B member 11; minus strand). Cytogenetic location: 2q31.1.
Variant type: single nucleotide variant.
Coding change: c.3213+5G>A on transcript NM_003742.4 (MANE Select); 5 bases into the intron after coding-DNA position 3213, G replaced by A.
Molecular consequence: intron variant.
Genome position (GRCh38, 1-based): chr2:168,932,372, C>T on the plus strand (G>A on the coding strand, the complement: ABCB11 is on the minus strand). VCF-style: chr2-168932372-C-T. GRCh37 (hg19) VCF-style: chr2-169788882-C-T.
Other names: NM_003742.4:c.3213+5G>A.
Identifiers: ClinVar variation 3776839 (VCV003776839.2).

ClinVar aggregate classification (germline): Uncertain significance. Review status: criteria provided, multiple submitters, no conflicts (2 of 4 stars). 2 submissions from 2 submitters: Uncertain significance (2). Last evaluated 2026-04-14.

Conditions:
Familial intrahepatic cholestasis. Identifiers: Orphanet 284385, MedGen CN296401, MONDO:0017290.
Progressive familial intrahepatic cholestasis type 2. Identifiers: Orphanet 79304, MedGen C3489789, MONDO:0011156, OMIM 601847.

gnomAD v4.1: 1 of 1,553,674 alleles (0.000064%); highest among the groups gnomAD compares: Non-Finnish European, 0.000087%; no homozygotes.

Submissions (2):

Genomenon, Inc
Classification: Uncertain significance for Familial intrahepatic cholestasis. Last evaluated: 2026-04-14. Review status: criteria provided, single submitter. Criteria: Genomenon Sequence Variant Interpretation Standards - Updated. Collection method: curation. Allele origin: germline. Affected: yes.
Comment: ABCB11 c.3213+5G>A is an intronic variant located in the donor splice region of intron 24. This variant has been observed in at least one proband with an ABCB11-related disorder (PMID:20232290). It has been observed in trans with a pathogenic or likely pathogenic variant (PMID:20232290). It is absent or not present at a significant frequency in gnomAD. In silico models predict that this variant is possibly or probably damaging. In conclusion, we classify ABCB11 c.3213+5G>A as a variant of uncertain significance.

Broad Center for Mendelian Genomics, Broad Institute of MIT and Harvard
Classification: Uncertain significance for Progressive familial intrahepatic cholestasis type 2. Last evaluated: 2025-01-23. Review status: criteria provided, single submitter. Criteria: ACMG Guidelines, 2015. Collection method: curation. Allele origin: germline. Inheritance: Autosomal recessive inheritance.
Comment: The c.3213+5G>A variant in ABCB11 has been reported in at least 2 individuals with BSEP deficiency (PMID: 17414143, 20232290), and has been identified in 0.00009% (1/1147958) of European (non-Finnish) chromosomes by the Genome Aggregation Database (gnomAD). Although this variant has been seen in the general population in a heterozygous state, its frequency is low enough to be consistent with a recessive carrier frequency. Of the 2 affected individuals, both were compound heterozygotes that carried variants of uncertain significance in trans, which increases the likelihood that the c.3213+5G>A variant is pathogenic (PMID: 17414143, 20232290). Computational prediction tools and conservation analyses suggest that this variant may impact the protein, though this information is not predictive enough to determine pathogenicity. In summary, the clinical significance of the c.3213+5G>A variant is uncertain. ACMG/AMP Criteria applied: PP3, PM2_supporting, PM3_supporting (Richards 2015).

Literature cited by the submitters: PubMed 20232290 (cited by Genomenon, Inc).